The following is an entry in ClinVar:

NC_000007.13:g.(?_117170933)_(117180420_?)del

Gene: CFTR (CF transmembrane conductance regulator; plus strand). Cytogenetic location: 7q31.2.
Variant type: Deletion.
Identifiers: ClinVar variation 3245682 (VCV003245682.1).

ClinVar aggregate classification (germline): Pathogenic (1 of 4 stars; one submission).

Conditions:
Cystic fibrosis (CF). Also called: MUCOVISCIDOSIS. Identifiers: Orphanet 586, MedGen C0010674, MONDO:0009061, OMIM 219700. Disease mechanism: loss of function.

Submission:

Labcorp Genetics (formerly Invitae), Labcorp
Classification: Pathogenic for Cystic fibrosis. Last evaluated: 2024-01-08. Review status: criteria provided, single submitter. Criteria: Invitae Variant Classification Sherloc (09022015). Collection method: clinical testing. Allele origin: unknown.
Comment: This variant is a gross deletion of the genomic region encompassing exon(s) 4-8 of the CFTR gene. This variant would be expected to be in-frame, preserving the integrity of the reading frame. A similar copy number variant has been observed in individual(s) with CFTR-related disorders, and has also been reported in conjunction with a deletion of exons 12-21 as part of a complex inversion within the CFTR gene (PMID: 23687349, 31523618). This variant is also known as CFTRdele4-7 in legacy nomenclature, or, when in the same copy of the gene with deletion of exons 12-21, CFTR50kbdel. This variant disrupts a region of the CFTR protein in which other variant(s) (p.Arg117Cys) have been determined to be pathogenic (PMID: 7525450, 15482777, 21783433, 22658665, 23891399, 23974870, 24586523). This suggests that this is a clinically significant region of the protein, and that variants that disrupt it are likely to be disease-causing. For these reasons, this variant has been classified as Pathogenic.

Literature cited by the submitters: PubMed 23687349; PubMed 31523618; PubMed 7525450; PubMed 15482777; PubMed 21783433; PubMed 22658665; PubMed 23891399; PubMed 23974870; PubMed 24586523.